The following is an entry in ClinVar:

NM_003327.4(TNFRSF4):c.751C>T (p.His251Tyr)

Gene: TNFRSF4 (TNF receptor superfamily member 4; minus strand). Cytogenetic location: 1p36.33.
Variant type: single nucleotide variant.
Coding change: c.751C>T on transcript NM_003327.4 (MANE Select); coding-DNA position 751, C replaced by T.
Protein change: p.His251Tyr; replaces histidine 251 with tyrosine.
Molecular consequence: missense variant.
Genome position (GRCh38, 1-based): chr1:1,211,716, G>A on the plus strand (C>T on the coding strand, the complement: TNFRSF4 is on the minus strand). VCF-style: chr1-1211716-G-A. GRCh37 (hg19) VCF-style: chr1-1147096-G-A.
Other names: c.751C>T, p.His251Tyr (NM_001410709.1); short protein forms H251Y.
Identifiers: ClinVar variation 1968061 (VCV001968061.5), dbSNP rs1649119440, ClinGen allele CA337798464.
Genomic context (GRCh38, chr1:1,211,716, plus strand): 5'-TGGGCCTCACCCGCCAGGAGCAGTGCGGCAGGGCCATGAGGCACTCACCAGGGGGCTTGT[G>A]GGCATCGGGGGGCAGCCTCTGGTCCCTCCGGAGCAGGTACAGGGCCAGCAGGATGGCCAG-3'
Protein context (NP_003318.1, residues 241-261): RRDQRLPPDA[His251Tyr]KPPGGGSFRT

ClinVar aggregate classification (germline): Uncertain significance (1 of 4 stars; one submission).

Conditions:
Combined immunodeficiency due to OX40 deficiency. Also called: OX40 DEFICIENCY; Immunodeficiency 16. Identifiers: Orphanet 431149, MedGen C3810053, MONDO:0014268, OMIM 615593.

Allele frequency attached by ClinVar (database versions not stated): TOPMed 0.00001.
gnomAD v4.1: 1 of 1,585,646 alleles (0.000063%); no homozygotes.

Submission:

Labcorp Genetics (formerly Invitae), Labcorp
Classification: Uncertain significance for Combined immunodeficiency due to OX40 deficiency. Last evaluated: 2022-09-01. Review status: criteria provided, single submitter. Criteria: Invitae Variant Classification Sherloc (09022015). Collection method: clinical testing. Allele origin: germline.
Comment: In summary, the available evidence is currently insufficient to determine the role of this variant in disease. Therefore, it has been classified as a Variant of Uncertain Significance. Algorithms developed to predict the effect of missense changes on protein structure and function (SIFT, PolyPhen-2, Align-GVGD) all suggest that this variant is likely to be tolerated. This variant has not been reported in the literature in individuals affected with TNFRSF4-related conditions. This variant is not present in population databases (gnomAD no frequency). This sequence change replaces histidine, which is basic and polar, with tyrosine, which is neutral and polar, at codon 251 of the TNFRSF4 protein (p.His251Tyr).